The following is an entry in ClinVar:

NM_001134407.3(GRIN2A):c.2191G>C (p.Asp731His)

Gene: GRIN2A (glutamate ionotropic receptor NMDA type subunit 2A; minus strand). Cytogenetic location: 16p13.2.
Variant type: single nucleotide variant.
Coding change: c.2191G>C on transcript NM_001134407.3 (MANE Select); coding-DNA position 2191, G replaced by C.
Protein change: p.Asp731His; replaces aspartic acid 731 with histidine.
Molecular consequence: missense variant.
Genome position (GRCh38, 1-based): chr16:9,798,442, C>G on the plus strand (G>C on the coding strand, the complement: GRIN2A is on the minus strand). VCF-style: chr16-9798442-C-G. GRCh37 (hg19) VCF-style: chr16-9892299-C-G.
Other names: c.2191G>C, p.Asp731His (NM_000833.5, NM_001134408.2); short protein forms D731H.
Identifiers: ClinVar variation 546346 (VCV000546346.3), dbSNP rs796052549, ClinGen allele CA394797300.

ClinVar aggregate classification (germline): Likely pathogenic (1 of 4 stars; one submission).

Submission:

GeneDx
Classification: Likely pathogenic. Last evaluated: 2026-09-02. Review status: criteria provided, single submitter. Criteria: GeneDx Variant Classification Process June 2021. Collection method: clinical testing. Allele origin: germline.
Comment: Not observed at significant frequency in large population cohorts (gnomAD); In silico analysis supports that this missense variant has a deleterious effect on protein structure/function; Has not been previously published as pathogenic or benign to our knowledge; This variant is associated with the following publications: (PMID: 27839871)